The following is an entry in ClinVar:

ClinVar aggregate classification (germline): Uncertain significance (1 of 4 stars; one submission).

Conditions:
Nemaline myopathy 2 (NEM2). Also called: Nemaline myopathy 2, autosomal recessive. Identifiers: MedGen C1850569, MONDO:0009725, OMIM 256030.

Allele frequency attached by ClinVar (database versions not stated): gnomAD exomes below 0.00001 and 0.00002; TOPMed 0.00001.
gnomAD v4.1: 31 of 1,613,998 alleles (0.0019%); highest among the groups gnomAD compares: Non-Finnish European, 0.0026%; no homozygotes.

Submission:

Labcorp Genetics (formerly Invitae), Labcorp
Classification: Uncertain significance for Nemaline myopathy 2. Last evaluated: 2021-08-28. Review status: criteria provided, single submitter. Criteria: Invitae Variant Classification Sherloc (09022015). Collection method: clinical testing. Allele origin: germline.
Comment: This sequence change replaces isoleucine with valine at codon 3297 of the NEB protein (p.Ile3297Val). The isoleucine residue is moderately conserved and there is a small physicochemical difference between isoleucine and valine. This variant is not present in population databases (ExAC no frequency). This variant has not been reported in the literature in individuals affected with NEB-related conditions. Algorithms developed to predict the effect of missense changes on protein structure and function output the following: SIFT: "Deleterious"; PolyPhen-2: "Not Available"; Align-GVGD: "Class C0". The valine amino acid residue is found in multiple mammalian species, which suggests that this missense change does not adversely affect protein function. In summary, the available evidence is currently insufficient to determine the role of this variant in disease. Therefore, it has been classified as a Variant of Uncertain Significance.

NM_001164508.2(NEB):c.9889A>G (p.Ile3297Val)

Gene: NEB (nebulin; minus strand). Cytogenetic location: 2q23.3.
Variant type: single nucleotide variant.
Coding change: c.9889A>G on transcript NM_001164508.2 (MANE Select); coding-DNA position 9889, A replaced by G.
Protein change: p.Ile3297Val; replaces isoleucine 3297 with valine.
Molecular consequence: missense variant.
Genome position (GRCh38, 1-based): chr2:151,627,777, T>C on the plus strand (A>G on the coding strand, the complement: NEB is on the minus strand). VCF-style: chr2-151627777-T-C. GRCh37 (hg19) VCF-style: chr2-152484291-T-C.
Other names: c.9889A>G, p.Ile3297Val (NM_001164507.2, NM_001271208.2); c.9160A>G, p.Ile3054Val (NM_004543.5); short protein forms I3297V, I3054V.
Identifiers: ClinVar variation 1428179 (VCV001428179.5), dbSNP rs1245785481, ClinGen allele CA348796107.